The following is an entry in ClinVar:

ClinVar aggregate classification (germline): Uncertain significance (1 of 4 stars; one submission).

Conditions:
Hereditary cancer-predisposing syndrome. Also called: Tumor predisposition; Neoplastic Syndromes, Hereditary; Hereditary Cancer Syndrome; Hereditary neoplastic syndrome. Identifiers: Orphanet 140162, MedGen C0027672, MeSH D009386, MONDO:0015356.

Submission:

Ambry Genetics
Classification: Uncertain significance for Hereditary cancer-predisposing syndrome. Last evaluated: 2024-11-09. Review status: criteria provided, single submitter. Criteria: Ambry Variant Classification Scheme 2023. Collection method: clinical testing. Allele origin: germline.
Comment: The p.R385L variant (also known as c.1154G>T), located in coding exon 7 of the DICER1 gene, results from a G to T substitution at nucleotide position 1154. The arginine at codon 385 is replaced by leucine, an amino acid with dissimilar properties. This amino acid position is conserved. In addition, the in silico prediction for this alteration is inconclusive. Based on the available evidence, the clinical significance of this variant remains unclear.

NM_177438.3(DICER1):c.1154G>T (p.Arg385Leu)

Gene: DICER1 (dicer 1, ribonuclease III; minus strand). Cytogenetic location: 14q32.13.
Variant type: single nucleotide variant.
Coding change: c.1154G>T on transcript NM_177438.3 (MANE Select); coding-DNA position 1154, G replaced by T.
Protein change: p.Arg385Leu; replaces arginine 385 with leucine.
Molecular consequence: missense variant. On other transcripts: 5 prime UTR variant (1), non-coding transcript variant (6).
Genome position (GRCh38, 1-based): chr14:95,124,418, C>A on the plus strand (G>T on the coding strand, the complement: DICER1 is on the minus strand). VCF-style: chr14-95124418-C-A. GRCh37 (hg19) VCF-style: chr14-95590755-C-A.
Other names: c.1154G>T, p.Arg385Leu (NM_001195573.1, NM_001271282.3, NM_001291628.2 and 14 more transcripts); c.872G>T, p.Arg291Leu (NM_001395686.1); c.749G>T, p.Arg250Leu (NM_001395687.1, NM_001395688.1, NM_001395689.1 and 3 more transcripts); c.587G>T, p.Arg196Leu (NM_001395691.1); c.-415G>T (NM_001395697.1); short protein forms R291L, R196L, R250L, R385L.
Identifiers: ClinVar variation 3501948 (VCV003501948.1).